The following is an entry in ClinVar:

NM_000404.4(GLB1):c.1122T>A (p.Tyr374Ter)

Gene: GLB1 (galactosidase beta 1; minus strand). Cytogenetic location: 3p22.3.
Variant type: single nucleotide variant.
Coding change: c.1122T>A on transcript NM_000404.4 (MANE Select); coding-DNA position 1122, T replaced by A.
Protein change: p.Tyr374Ter; replaces tyrosine 374 with a stop codon.
Molecular consequence: nonsense.
Genome position (GRCh38, 1-based): chr3:33,024,272, A>T on the plus strand (T>A on the coding strand, the complement: GLB1 is on the minus strand). VCF-style: chr3-33024272-A-T. GRCh37 (hg19) VCF-style: chr3-33065764-A-T.
Other names: c.1122T>A, p.Tyr374Ter (NM_001393580.1); c.1032T>A, p.Tyr344Ter (NM_001079811.3); c.729T>A, p.Tyr243Ter (NM_001135602.3); c.1266T>A, p.Tyr422Ter (NM_001317040.2); short protein forms Y243*, Y344*, Y374*, Y422*.
Identifiers: ClinVar variation 1724830 (VCV001724830.3), dbSNP rs1407133452, ClinGen allele CA351995045.

ClinVar aggregate classification (germline): Likely pathogenic (1 of 4 stars; one submission).

Conditions:
GLB1-related disorder. Also called: GLB1-related disorders. Identifiers: MedGen CN377807.

Submission:

Myriad Genetics, Inc.
Classification: Likely pathogenic for GLB1-related disorder. Last evaluated: 2022-02-28. Review status: criteria provided, single submitter. Criteria: Myriad Autosomal Dominant, Autosomal Recessive and X-Linked Classification Criteria (2023). Collection method: clinical testing. Allele origin: unknown.
Comment: NM_000404.2(GLB1):c.1122T>A(Y374*) is expected to be pathogenic in the context of GLB1-related disorders. This variant is predicted to lead to an abnormal or absent protein product due to the creation of a premature termination codon in GLB1, a gene where loss-of-function variants are known to be pathogenic. Please note: this variant was assessed in the context of healthy population screening.